The following is an entry in ClinVar:

ClinVar aggregate classification (germline): Uncertain significance (1 of 4 stars; one submission).

Conditions:
Dyskeratosis congenita, autosomal dominant 6 (DKCA6). Identifiers: Orphanet 3322, MedGen C4225284, MONDO:0014690, OMIM 616553.

Submission:

Labcorp Genetics (formerly Invitae), Labcorp
Classification: Uncertain significance for Dyskeratosis congenita, autosomal dominant 6. Last evaluated: 2023-11-17. Review status: criteria provided, single submitter. Criteria: Invitae Variant Classification Sherloc (09022015). Collection method: clinical testing. Allele origin: germline.
Comment: This sequence change replaces alanine, which is neutral and non-polar, with glycine, which is neutral and non-polar, at codon 10 of the ACD protein (p.Ala10Gly). This variant is not present in population databases (gnomAD no frequency). This variant has not been reported in the literature in individuals affected with ACD-related conditions. Algorithms developed to predict the effect of missense changes on protein structure and function output the following: SIFT: "Not Available"; PolyPhen-2: "Possibly Damaging"; Align-GVGD: "Not Available". The glycine amino acid residue is found in multiple mammalian species, which suggests that this missense change does not adversely affect protein function. In summary, the available evidence is currently insufficient to determine the role of this variant in disease. Therefore, it has been classified as a Variant of Uncertain Significance.

NC_000016.10:g.67660450G>C

Gene: ACD (ACD shelterin complex subunit and telomerase recruitment factor; minus strand). Cytogenetic location: 16q22.1.
Variant type: single nucleotide variant.
Genome position: GRCh38 VCF-style: chr16-67660450-G-C. GRCh37 (hg19) VCF-style: chr16-67694353-G-C.
Identifiers: ClinVar variation 2905819 (VCV002905819.3), dbSNP rs2543613625, ClinGen allele CA396360222.
Genomic context (GRCh38, chr16:67,660,450, plus strand): 5'-TGCAGACTCCCGCTGGTCCACCCCGCTGGTGCACGGGATGCTGGCCCGTTTACTCTCATC[G>C]CGGCGTCACTCTGACAGCGGCCAGGCATTTGGGCCGTTCGTCAAGATTCCTGTGGTACCG-3'